The following is an entry in ClinVar:

ClinVar aggregate classification (germline): Likely benign. Review status: criteria provided, multiple submitters, no conflicts (2 of 4 stars). 6 submissions from 5 submitters: Likely benign (6). Last evaluated 2025-12-17.

Conditions:
Adams-Oliver syndrome 5 (AOS5). Identifiers: Orphanet 974, MedGen C4014970, MONDO:0014459, OMIM 616028.
Aortic valve disease 1 (AOVD1). Identifiers: MedGen C3887892, MONDO:0024523, OMIM 109730.
Familial thoracic aortic aneurysm and aortic dissection (TAAD). Also called: Thoracic aortic aneurysms and dissections. Identifiers: Orphanet 91387, MedGen C4707243, MONDO:0019625.

Allele frequency attached by ClinVar (database versions not stated): gnomAD exomes 0.00005; TOPMed 0.00007; ExAC 0.00009.
gnomAD v4.1: 39 of 1,596,186 alleles (0.0024%); highest among the groups gnomAD compares: African/African-American, 0.012%; no homozygotes.

Submissions (6):

Labcorp Genetics (formerly Invitae), Labcorp
Classification: Likely benign for Adams-Oliver syndrome 5. Last evaluated: 2025-12-17. Review status: criteria provided, single submitter. Criteria: Invitae Variant Classification Sherloc (09022015). Collection method: clinical testing. Allele origin: germline.

Ambry Genetics
Classification: Likely benign for Familial thoracic aortic aneurysm and aortic dissection. Last evaluated: 2025-05-03. Review status: criteria provided, single submitter. Criteria: Ambry Variant Classification Scheme 2023. Collection method: clinical testing. Allele origin: germline.

Blueprint Genetics
Classification: Likely benign. Last evaluated: 2024-04-18. Review status: criteria provided, single submitter. Criteria: ACMG Guidelines, 2015. Collection method: clinical testing. Allele origin: germline.

Genome-Nilou Lab
Classification: Likely benign for Adams-Oliver syndrome 5. Last evaluated: 2022-03-15. Review status: criteria provided, single submitter. Criteria: ACMG Guidelines, 2015. Collection method: clinical testing. Allele origin: germline. Affected: no.

Genome-Nilou Lab
Classification: Likely benign for Aortic valve disease 1. Last evaluated: 2022-03-15. Review status: criteria provided, single submitter. Criteria: ACMG Guidelines, 2015. Collection method: clinical testing. Allele origin: germline. Affected: no.

GeneDx
Classification: Likely benign. Last evaluated: 2016-10-10. Review status: criteria provided, single submitter. Criteria: GeneDx Variant Classification (06012015). Collection method: clinical testing. Allele origin: germline. Affected: yes.
Comment: This variant is considered likely benign or benign based on one or more of the following criteria: it is a conservative change, it occurs at a poorly conserved position in the protein, it is predicted to be benign by multiple in silico algorithms, and/or has population frequency not consistent with disease.

NM_017617.5(NOTCH1):c.7356G>A (p.Ala2452=)

Gene: NOTCH1 (notch receptor 1; minus strand). Cytogenetic location: 9q34.3.
Variant type: single nucleotide variant.
Coding change: c.7356G>A on transcript NM_017617.5 (MANE Select); coding-DNA position 7356, G replaced by A.
Protein change: p.Ala2452=; no amino-acid change (alanine 2452 retained).
Molecular consequence: synonymous variant.
Genome position (GRCh38, 1-based): chr9:136,496,383, C>T on the plus strand (G>A on the coding strand, the complement: NOTCH1 is on the minus strand). VCF-style: chr9-136496383-C-T. GRCh37 (hg19) VCF-style: chr9-139390835-C-T.
Other names: c.7356G>A, p.Ala2452= (LRG_1122t1).
Identifiers: ClinVar variation 389652 (VCV000389652.11), dbSNP rs781520893, ClinGen allele CA5339692.